The following is an entry in ClinVar:

NM_000059.4(BRCA2):c.3475T>G (p.Cys1159Gly)

Gene: BRCA2 (BRCA2 DNA repair associated; plus strand). Cytogenetic location: 13q13.1.
Variant type: single nucleotide variant.
Coding change: c.3475T>G on transcript NM_000059.4 (MANE Select); coding-DNA position 3475, T replaced by G.
Protein change: p.Cys1159Gly; replaces cysteine 1159 with glycine.
Molecular consequence: missense variant.
Genome position (GRCh38, 1-based): chr13:32,337,830, T>G. VCF-style: chr13-32337830-T-G. GRCh37 (hg19) VCF-style: chr13-32911967-T-G.
Other names: short protein forms C1159G.
Identifiers: ClinVar variation 224468 (VCV000224468.8), dbSNP rs886037814, ClinGen allele CA10575916.

ClinVar aggregate classification (germline): Conflicting classifications of pathogenicity. Review status: criteria provided, conflicting classifications (1 of 4 stars). 3 submissions from 3 submitters: Uncertain significance (2); Likely benign (1). Last evaluated 2023-03-23.

Conditions:
Breast neoplasm. Also called: Neoplasm of breast; Breast tumor; Neoplasm of the breast; Breast Neoplasms. Identifiers: MedGen C1458155, MeSH D001943, MONDO:0021100, HP:0100013. Disease mechanism: gain of function.
Hereditary breast ovarian cancer syndrome. Also called: Hereditary breast and ovarian cancer; BRCA1- and BRCA2-Associated Hereditary Breast and Ovarian Cancer; Hereditary breast and ovarian cancer syndrome; Hereditary breast and ovarian cancer syndrome (HBOC); Breast and ovarian cancer; Hereditary breast and/or ovarian cancer syndrome. Identifiers: Orphanet 145, MedGen C0677776, MeSH D061325, MONDO:0003582. Disease mechanism: loss of function.
Hereditary cancer-predisposing syndrome. Also called: Tumor predisposition; Hereditary neoplastic syndrome; Neoplastic Syndromes, Hereditary; Hereditary Cancer Syndrome. Identifiers: Orphanet 140162, MedGen C0027672, MeSH D009386, MONDO:0015356.

Allele frequency attached by ClinVar (database versions not stated): TOPMed 0.00001.

Submissions (3):

University of Washington Department of Laboratory Medicine, University of Washington
Classification: Likely benign for Hereditary cancer-predisposing syndrome. Last evaluated: 2023-03-23. Review status: criteria provided, single submitter. Criteria: Dines et al. (Genet Med. 2020). Collection method: curation. Allele origin: germline.
Comment: Missense variant in a coldspot region where missense variants are very unlikely to be pathogenic (PMID:31911673).

BRCA2 exon 11 coldspot. Reclassification based on statistical prior probability.

Labcorp Genetics (formerly Invitae), Labcorp
Classification: Uncertain significance for Hereditary breast ovarian cancer syndrome. Last evaluated: 2017-03-22. Review status: criteria provided, single submitter. Criteria: Invitae Variant Classification Sherloc (09022015). Collection method: clinical testing. Allele origin: germline.
Comment: In summary, this variant is a rare missense change that is not predicted to affect protein function. While it is absent from the population and reported in an affected individual, the available evidence is currently insufficient to determine its role in disease. Therefore, it has been classified as a Variant of Uncertain Significance. Algorithms developed to predict the effect of missense changes on protein structure and function (SIFT, PolyPhen-2, Align-GVGD) all suggest that this variant is likely to be tolerated, but these predictions have not been confirmed by published functional studies. This variant has been reported in an individual affected with breast cancer (PMID: 27257965). ClinVar contains an entry for this variant (Variation ID: 224468). This variant is not present in population databases (ExAC no frequency). This sequence change replaces cysteine with glycine at codon 1159 of the BRCA2 protein (p.Cys1159Gly). The cysteine residue is weakly conserved and there is a large physicochemical difference between cysteine and glycine.

Laboratory of Molecular Diagnosis of Cancer, West China Hospital, Sichuan University
Classification: Uncertain significance for Breast neoplasm. Last evaluated: 2015-11-01. Review status: criteria provided, single submitter. Criteria: ACMG Guidelines, 2015. Collection method: research. Allele origin: germline. Affected: yes. Observed: 1 variant allele.

Literature cited by the submitters: PubMed 27257965 (cited by Labcorp Genetics (formerly Invitae), Labcorp and Laboratory of Molecular Diagnosis of Cancer, West China Hospital, Sichuan University).